The following is an entry in ClinVar:

NM_003001.5(SDHC):c.43C>T (p.Arg15Ter)

Gene: SDHC (succinate dehydrogenase complex subunit C; plus strand). Cytogenetic location: 1q23.3.
Variant type: single nucleotide variant.
Coding change: c.43C>T on transcript NM_003001.5 (MANE Select); coding-DNA position 43, C replaced by T.
Protein change: p.Arg15Ter; replaces arginine 15 with a stop codon.
Molecular consequence: nonsense. On other transcripts: 5 prime UTR variant (2), non-coding transcript variant (1), intron variant (4).
Genome position (GRCh38, 1-based): chr1:161,323,636, C>T. VCF-style: chr1-161323636-C-T. GRCh37 (hg19) VCF-style: chr1-161293426-C-T.
Other names: c.43C>T, p.Arg15Ter (NM_001035511.3, NM_001035512.3, NM_001278172.3 and 2 more transcripts); c.-69C>T (NM_001407119.1); c.-187C>T (NM_001407120.1); c.21-4760C>T (NM_001407116.1, NM_001407121.1, NM_001407117.1); c.20+9211C>T (NM_001035513.3); short protein forms R15*.
Identifiers: ClinVar variation 41776 (VCV000041776.58), dbSNP rs201286421, ClinGen allele CA011542.

ClinVar aggregate classification (germline): Pathogenic. Review status: criteria provided, multiple submitters, no conflicts (2 of 4 stars). 20 submissions from 20 submitters: Pathogenic (18). 2 of the submissions do not count toward it. Last evaluated 2026-06-09.

Conditions:
SDHC-related disorder. Also called: SDHC-related condition.
Inherited phaeochromocytoma and paraganglioma excluding NF1.
Pheochromocytoma/paraganglioma syndrome 3. Also called: Paragangliomas 3; SDHC-Related Hereditary Paraganglioma-Pheochromocytoma Syndrome (Paragangliomas 3); SDHC-Related Hereditary Paraganglioma-Pheochromocytoma Syndrome; GLOMUS TUMORS, FAMILIAL, 3. Identifiers: Orphanet 29072, MedGen C1854336, MONDO:0011544, OMIM 605373.
Gastrointestinal stromal tumor. Also called: Gastrointestinal stromal tumor, somatic; Gastrointestinal stroma tumor. Identifiers: Orphanet 44890, MedGen C0238198, MeSH D046152, MONDO:0011719, OMIM 606764, HP:0100723.
Hereditary cancer-predisposing syndrome. Also called: Neoplastic Syndromes, Hereditary; Hereditary neoplastic syndrome; Hereditary Cancer Syndrome; Tumor predisposition. Identifiers: Orphanet 140162, MedGen C0027672, MeSH D009386, MONDO:0015356.
Carney-Stratakis syndrome. Also called: PARAGANGLIOMA AND GASTROINTESTINAL STROMAL TUMOR. Identifiers: Orphanet 97286, MedGen C1847319, MONDO:0011740, OMIM 606864.
Hereditary pheochromocytoma and paraganglioma. Also called: Hereditary Paraganglioma-Pheochromocytoma Syndromes; Hereditary paragangliomas and pheochromocytomas; Hereditary pheochromocytoma-paraganglioma. Identifiers: Orphanet 29072, MedGen C4274332, MONDO:0017366.

Allele frequency attached by ClinVar (database versions not stated): gnomAD 0.00002; ExAC 0.00001; TOPMed 0.00002; gnomAD exomes 0.00001.
gnomAD v4.1: 12 of 1,613,460 alleles (0.00074%); highest among the groups gnomAD compares: South Asian, 0.0011%; no homozygotes.

Submissions 1 to 11 of 20:

PreventionGenetics, part of Exact Sciences
Classification: Pathogenic for SDHC-related condition. Last evaluated: 2026-06-09. Review status: criteria provided, single submitter. Criteria: ACMG Guidelines, 2015. Collection method: clinical testing. Allele origin: germline.
Comment: The SDHC c.43C>T variant is predicted to result in premature protein termination (p.Arg15*). This variant has been reported in multiple individuals with paraganglioma, pheochromocytoma, gastrointestinal stromal tumors, and adrenocortical cancer (Pasini et al. 2008. PubMed ID: 17667967; Vandy et al. 2010. PubMed ID: 21106325; Illouz et al. 2012. PubMed ID: 22868853; Renella et al. 2014. PubMed ID: 24781345; Else et al. 2017. PubMed ID: 28819017). This variant is reported in 0.0033% of alleles in individuals of South Asian descent in gnomAD and is interpreted as pathogenic in ClinVar (Variation ID: 41776). Nonsense variants in SDHC are expected to be pathogenic. This variant is interpreted as pathogenic.

Labcorp Genetics (formerly Invitae), Labcorp
Classification: Pathogenic for Pheochromocytoma/paraganglioma syndrome 3; Gastrointestinal stromal tumor. Last evaluated: 2026-01-17. Review status: criteria provided, single submitter. Criteria: Invitae Variant Classification Sherloc (09022015). Collection method: clinical testing. Allele origin: germline.
Comment: This sequence change creates a premature translational stop signal (p.Arg15*) in the SDHC gene. It is expected to result in an absent or disrupted protein product. Loss-of-function variants in SDHC are known to be pathogenic (PMID: 17667967, 19454582, 23282968, 24758179). This variant is present in population databases (rs201286421, gnomAD 0.003%). This premature translational stop signal has been observed in individuals with paraganglioma, Hodgkin's lymphoma, pheochromocytoma, and/or gastrointestinal stromal tumors (PMID: 17667967, 19351833, 21106325, 22868853, 24781345). ClinVar contains an entry for this variant (Variation ID: 41776). For these reasons, this variant has been classified as Pathogenic.

NHS Central & South Genomic Laboratory Hub
Classification: Pathogenic for Inherited phaeochromocytoma and paraganglioma excluding NF1. Last evaluated: 2025-10-21. Review status: criteria provided, single submitter. Criteria: ACMG Guidelines, 2015. Collection method: clinical testing. Allele origin: germline. Affected: yes.

Quest Diagnostics Nichols Institute San Juan Capistrano
Classification: Pathogenic. Last evaluated: 2025-07-18. Review status: criteria provided, single submitter. Criteria: Quest Diagnostics criteria. Collection method: clinical testing. Allele origin: unknown.
Comment: The SDHC c.43C>T (p.Arg15*) variant causes the premature termination of SDHC protein synthesis. In the published literature, this variant has been reported in individuals with paraganglioma/pheochromocytoma and gastrointestinal stromal tumor (PMID: 29878124 (2018), 24758179 (2014), 24781345 (2014), 21106325 (2011), 19351833 (2009), 17667967 (2008)). The frequency of this variant in the general population (Genome Aggregation Database) is consistent with pathogenicity. Based on the available information, this variant is classified as pathogenic.

Color Diagnostics, LLC DBA Color Health
Classification: Pathogenic for Hereditary pheochromocytoma and paraganglioma. Last evaluated: 2025-06-30. Review status: criteria provided, single submitter. Criteria: ACMG Guidelines, 2015. Collection method: clinical testing. Allele origin: germline.
Comment: This variant changes 1 nucleotide in exon 2 of the SDHC gene, creating a premature translation stop signal. This variant is expected to result in an absent or non-functional protein product. This variant has been reported in individuals affected with phaeochromocytoma/paraganglioma (PMID: 19351833, 19454582, 21106325, 22868853, 24758179, 24781345, 28412079, 34558728). This variant has been identified in 2/248902 chromosomes in the general population by the Genome Aggregation Database (gnomAD). Loss of SDHC function is a known mechanism of disease. Based on the available evidence, this variant is classified as Pathogenic.

Center for Genomic Medicine, Rigshospitalet, Copenhagen University Hospital
Classification: Pathogenic. Last evaluated: 2025-03-04. Review status: criteria provided, single submitter. Criteria: ACMG Guidelines, 2015. Collection method: clinical testing. Allele origin: germline.

Department of Clinical Genetics, Copenhagen University Hospital, Rigshospitalet
Classification: Pathogenic for Hereditary pheochromocytoma and paraganglioma. Last evaluated: 2025-01-24. Review status: criteria provided, single submitter. Criteria: ACMG Guidelines, 2015. Collection method: clinical testing. Allele origin: germline.
Comment: The following ACMG criteria have been used in classification: PVS1; PS4_MOD

ARUP Laboratories, Molecular Genetics and Genomics, ARUP Laboratories
Classification: Pathogenic. Last evaluated: 2025-01-13. Review status: criteria provided, single submitter. Criteria: ARUP Molecular Germline Variant Investigation Process 2024. Collection method: clinical testing. Allele origin: germline.
Comment: The SDHC c.43C>T; p.Arg15Ter variant (rs201286421) is reported in the literature in multiple individuals affected with paraganglioma, gastrointestinal stromal tumors, or adrenocortical cancer (Else 2017, Illouz 2012, Pasini 2008, Renella 2014, Vandy 2011). This variant is found on only two chromosomes in the Genome Aggregation Database (2/248902 alleles), indicating it is not a common polymorphism. This variant induces an early termination codon and is predicted to result in a truncated protein or mRNA subject to nonsense-mediated decay. Based on available information, this variant is considered to be pathogenic. References: Else T et al. Adrenocortical carcinoma and succinate dehydrogenase gene mutations: an observational case series. Eur J Endocrinol. 2017;177(5):439-444. Illouz F et al. Long-delayed localization of a cardiac functional paraganglioma with SDHC mutation. Ann Intern Med. 2012;157(3):222-223. Pasini B et al. Clinical and molecular genetics of patients with the Carney-Stratakis syndrome and germline mutations of the genes coding for the succinate dehydrogenase subunits SDHB, SDHC, and SDHD. Eur J Hum Genet. 2008;16(1):79-88. Renella R et al. Exploring the association of succinate dehydrogenase complex mutations with lymphoid malignancies. Fam Cancer. 2014;13(3):507-511. Vandy FC et al. Synchronous carotid body and thoracic paraganglioma associated with a germline SDHC mutation. J Vasc Surg. 2011;53(3):805-807.

Ambry Genetics
Classification: Pathogenic for Hereditary cancer-predisposing syndrome. Last evaluated: 2024-12-13. Review status: criteria provided, single submitter. Criteria: Ambry Variant Classification Scheme 2023. Collection method: clinical testing. Allele origin: germline.
Comment: The p.R15* pathogenic mutation (also known as c.43C>T), located in coding exon 2 of the SDHC gene, results from a C to T substitution at nucleotide position 43. This changes the amino acid from an arginine to a stop codon within coding exon 2. This mutation has been observed in multiple individuals diagnosed with paragangliomas (PGL) (Pasini B et al. Eur J Hum Genet, 2008 Jan;16:79-88; Vandy FC et al. J. Vasc. Surg., 2011 Mar;53:805-7; llouz F et al. Ann. Intern. Med., 2012 Aug;157:222-3; Renella R et al. Fam. Cancer, 2014 Sep;13:507-11; Else T et al. J Clin Endocrinol Metab, 2014 Aug;99:E1482-6; Bennedb&aelig;k M et al. Hered Cancer Clin Pract, 2016 Jun;14:13; L'Huillier V et al. Eur Ann Otorhinolaryngol Head Neck Dis, 2017 Apr; Neumann HP et al. Cancer Res, 2009 Apr;69:3650-6; Smith JD et al. OTO Open Mar;5:2473974X21995453; Richter S et al. Genet Med, 2019 03;21:705-717; McCrary HC et al. JAMA Otolaryngol Head Neck Surg, 2019 07;145:641-646; Ong RKS et al. J Clin Endocrinol Metab, 2018 08;103:2802-2806). This alteration is expected to result in loss of function by premature protein truncation or nonsense-mediated mRNA decay. As such, this alteration is interpreted as a disease-causing mutation.

Fulgent Genetics
Classification: Pathogenic for Pheochromocytoma/paraganglioma syndrome 3; Gastrointestinal stromal tumor; Carney-Stratakis syndrome. Last evaluated: 2024-04-18. Review status: criteria provided, single submitter. Criteria: ACMG Guidelines, 2015. Collection method: clinical testing. Allele origin: germline.

Baylor Genetics
Classification: Pathogenic for Gastrointestinal stromal tumor. Last evaluated: 2024-03-07. Review status: criteria provided, single submitter. Criteria: ACMG Guidelines, 2015. Collection method: clinical testing. Allele origin: unknown.